The following is an entry in ClinVar:

NM_004329.3(BMPR1A):c.1427T>C (p.Val476Ala)

Gene: BMPR1A (bone morphogenetic protein receptor type 1A; plus strand). Cytogenetic location: 10q23.2.
Variant type: single nucleotide variant.
Coding change: c.1427T>C on transcript NM_004329.3 (MANE Select); coding-DNA position 1427, T replaced by C.
Protein change: p.Val476Ala; replaces valine 476 with alanine.
Molecular consequence: missense variant.
Genome position (GRCh38, 1-based): chr10:86,923,460, T>C. VCF-style: chr10-86923460-T-C. GRCh37 (hg19) VCF-style: chr10-88683217-T-C.
Other names: c.1502T>C, p.Val501Ala (NM_001406559.1); c.1475T>C, p.Val492Ala (NM_001406560.1); c.1427T>C, p.Val476Ala (NM_001406561.1, NM_001406562.1, NM_001406563.1 and 19 more transcripts); c.1421T>C, p.Val474Ala (NM_001406583.1); c.1343T>C, p.Val448Ala (NM_001406584.1, NM_001406585.1, NM_001406586.1 and 2 more transcripts); c.1085T>C, p.Val362Ala (NM_001406589.1); short protein forms V448A, V474A, V362A, V492A, V476A, V501A.
Identifiers: ClinVar variation 1772407 (VCV001772407.2), dbSNP rs2539649326, ClinGen allele CA377463054.

ClinVar aggregate classification (germline): Uncertain significance (1 of 4 stars; one submission).

Conditions:
Hereditary cancer-predisposing syndrome. Also called: Hereditary Cancer Syndrome; Hereditary neoplastic syndrome; Neoplastic Syndromes, Hereditary; Tumor predisposition. Identifiers: Orphanet 140162, MedGen C0027672, MeSH D009386, MONDO:0015356.

Submission:

Ambry Genetics
Classification: Uncertain significance for Hereditary cancer-predisposing syndrome. Last evaluated: 2022-07-14. Review status: criteria provided, single submitter. Criteria: Ambry Variant Classification Scheme 2023. Collection method: clinical testing. Allele origin: germline.
Comment: The p.V476A variant (also known as c.1427T>C), located in coding exon 10 of the BMPR1A gene, results from a T to C substitution at nucleotide position 1427. The valine at codon 476 is replaced by alanine, an amino acid with similar properties. This amino acid position is well conserved in available vertebrate species. In addition, this alteration is predicted to be tolerated by in silico analysis. Since supporting evidence is limited at this time, the clinical significance of this alteration remains unclear.